The following is an entry in ClinVar:

NM_003900.5(SQSTM1):c.329G>A (p.Arg110His)

Gene: SQSTM1 (sequestosome 1; plus strand). Cytogenetic location: 5q35.3.
Variant type: single nucleotide variant.
Coding change: c.329G>A on transcript NM_003900.5 (MANE Select); coding-DNA position 329, G replaced by A.
Protein change: p.Arg110His; replaces arginine 110 with histidine.
Molecular consequence: missense variant.
Genome position (GRCh38, 1-based): chr5:179,823,885, G>A. VCF-style: chr5-179823885-G-A. GRCh37 (hg19) VCF-style: chr5-179250885-G-A.
Other names: c.77G>A, p.Arg26His (NM_001142298.2, NM_001142299.2); short protein forms R110H, R26H.
Identifiers: ClinVar variation 2634117 (VCV002634117.5), dbSNP rs1267306593, ClinGen allele CA362443434.
Genomic context (GRCh38, chr5:179,823,885, plus strand): 5'-CCACCCTAGCGGCTCTCTTTACCCTTCCTGTAGAGAAAAAAGAGTGCCGGCGGGACCACC[G>A]CCCACCGTGTGCTCAGGAGGCGCCCCGCAACATGGTGCACCCCAATGTGATCTGCGATGG-3'
Protein context (NP_003891.1, residues 100-120): KEKKECRRDH[Arg110His]PPCAQEAPRN

ClinVar aggregate classification (germline): Uncertain significance. Review status: criteria provided, multiple submitters, no conflicts (2 of 4 stars). 2 submissions from 2 submitters: Uncertain significance (2). Last evaluated 2025-07-23.

Conditions:
Paget disease of bone 2, early-onset (PDB2). Also called: Paget disease of bone 2. Identifiers: MedGen C4085251, MONDO:0011183, OMIM 602080.
Frontotemporal dementia and/or amyotrophic lateral sclerosis 1 (FTDALS1). Also called: Frontotemporal dementia with motor neuron disease 1; C9orf72 Frontotemporal Dementia and/or Amyotrophic Lateral Sclerosis. Identifiers: Orphanet 275872, MedGen C5779877, MONDO:0007105, OMIM 105550.
SQSTM1-related disorder. Also called: SQSTM1-Related Disorders.

Allele frequency attached by ClinVar (database versions not stated): gnomAD exomes 0.00001; TOPMed below 0.00001; gnomAD 0.00001.
gnomAD v4.1: 17 of 1,612,740 alleles (0.0011%); highest among the groups gnomAD compares: Non-Finnish European, 0.0013%; no homozygotes.

Submissions (2):

Labcorp Genetics (formerly Invitae), Labcorp
Classification: Uncertain significance for Paget disease of bone 2, early-onset; Frontotemporal dementia and/or amyotrophic lateral sclerosis 1. Last evaluated: 2025-07-23. Review status: criteria provided, single submitter. Criteria: Invitae Variant Classification Sherloc (09022015). Collection method: clinical testing. Allele origin: germline.
Comment: This sequence change replaces arginine, which is basic and polar, with histidine, which is basic and polar, at codon 110 of the SQSTM1 protein (p.Arg110His). This variant is present in population databases (no rsID available, gnomAD 0.002%). This variant has not been reported in the literature in individuals affected with SQSTM1-related conditions. ClinVar contains an entry for this variant (Variation ID: 2634117). Invitae Evidence Modeling of protein sequence and biophysical properties (such as structural, functional, and spatial information, amino acid conservation, physicochemical variation, residue mobility, and thermodynamic stability) indicates that this missense variant is not expected to disrupt SQSTM1 protein function with a negative predictive value of 80%. In summary, the available evidence is currently insufficient to determine the role of this variant in disease. Therefore, it has been classified as a Variant of Uncertain Significance.

PreventionGenetics, part of Exact Sciences
Classification: Uncertain significance for SQSTM1-related condition. Last evaluated: 2025-06-09. Review status: criteria provided, single submitter. Criteria: ACMG Guidelines, 2015. Collection method: clinical testing. Allele origin: germline.
Comment: The SQSTM1 c.329G>A variant is predicted to result in the amino acid substitution p.Arg110His. To our knowledge, this variant has not been reported in the literature. This variant is reported in 0.0023% of alleles in individuals of European (Non-Finnish) descent in gnomAD. At this time, the clinical significance of this variant is uncertain due to the absence of conclusive functional and genetic evidence.